The following is an entry in ClinVar:

ClinVar aggregate classification (germline): Uncertain significance (1 of 4 stars; one submission).

Submission:

GeneDx
Classification: Uncertain significance. Last evaluated: 2019-11-27. Review status: criteria provided, single submitter. Criteria: GeneDx Variant Classification Process June 2021. Collection method: clinical testing. Allele origin: germline. Affected: yes.
Comment: Not observed in large population cohorts (Lek et al., 2016); In silico analysis, which includes protein predictors and evolutionary conservation, supports that this variant does not alter protein structure/function; Has not been previously published as pathogenic or benign to our knowledge

NM_004595.5(SMS):c.1033A>G (p.Ile345Val)

Gene: SMS (spermine synthase; plus strand). Cytogenetic location: Xp22.11.
Variant type: single nucleotide variant.
Coding change: c.1033A>G on transcript NM_004595.5 (MANE Select); coding-DNA position 1033, A replaced by G.
Protein change: p.Ile345Val; replaces isoleucine 345 with valine.
Molecular consequence: missense variant.
Genome position (GRCh38, 1-based): chrX:21,992,684, A>G. VCF-style: chrX-21992684-A-G. GRCh37 (hg19) VCF-style: chrX-22010802-A-G.
Other names: c.874A>G, p.Ile292Val (NM_001258423.2); short protein forms I292V, I345V.
Identifiers: ClinVar variation 1197765 (VCV001197765.2), dbSNP rs2146960347, ClinGen allele CA412571918.